The following is an entry in ClinVar:

ClinVar aggregate classification (germline): Uncertain significance (1 of 4 stars; one submission).

Allele frequency attached by ClinVar (database versions not stated): gnomAD 0.00001; ExAC 0.00002; ESP Exome Variant Server 0.00008.

Submission:

Labcorp Genetics (formerly Invitae), Labcorp
Classification: Uncertain significance. Last evaluated: 2022-01-11. Review status: criteria provided, single submitter. Criteria: Invitae Variant Classification Sherloc (09022015). Collection method: clinical testing. Allele origin: germline.
Comment: This sequence change replaces serine, which is neutral and polar, with phenylalanine, which is neutral and non-polar, at codon 263 of the HPS6 protein (p.Ser263Phe). This variant is present in population databases (rs375236824, gnomAD 0.002%). This variant has not been reported in the literature in individuals affected with HPS6-related conditions. Algorithms developed to predict the effect of missense changes on protein structure and function are either unavailable or do not agree on the potential impact of this missense change (SIFT: "Deleterious"; PolyPhen-2: "Benign"; Align-GVGD: "Class C15"). In summary, the available evidence is currently insufficient to determine the role of this variant in disease. Therefore, it has been classified as a Variant of Uncertain Significance.

NM_024747.6(HPS6):c.788C>T (p.Ser263Phe)

Gene: HPS6 (HPS6 biogenesis of lysosomal organelles complex 2 subunit 3; plus strand). Cytogenetic location: 10q24.32.
Variant type: single nucleotide variant.
Coding change: c.788C>T on transcript NM_024747.6 (MANE Select); coding-DNA position 788, C replaced by T.
Protein change: p.Ser263Phe; replaces serine 263 with phenylalanine.
Molecular consequence: missense variant.
Genome position (GRCh38, 1-based): chr10:102,066,262, C>T. VCF-style: chr10-102066262-C-T. GRCh37 (hg19) VCF-style: chr10-103826019-C-T.
Other names: short protein forms S263F.
Identifiers: ClinVar variation 2152765 (VCV002152765.1), dbSNP rs375236824, ClinGen allele CA5659859.